The following is an entry in ClinVar:

NM_000158.4(GBE1):c.2053-3358_2053-3350delinsTGTTTTTTACATTACAGGT

Gene: GBE1 (1,4-alpha-glucan branching enzyme 1; minus strand). Cytogenetic location: 3p12.2.
Variant type: Indel.
Coding change: c.2053-3358_2053-3350delinsTGTTTTTTACATTACAGGT on transcript NM_000158.4 (MANE Select); 3358 bases into the intron before coding-DNA position 2053 through 3350 bases into the intron before coding-DNA position 2053, GTGTGGTGG replaced by TGTTTTTTACATTACAGGT.
Molecular consequence: intron variant.
Genome position (GRCh38, 1-based): chr3:81,493,813-81,493,821, CCACCACAC replaced by ACCTGTAATGTAAAAAACA on the plus strand (GTGTGGTGG replaced by TGTTTTTTACATTACAGGT on the coding strand, the reverse complement: GBE1 is on the minus strand). VCF-style: chr3-81493813-CCACCACAC-ACCTGTAATGTAAAAAACA. GRCh37 (hg19) VCF-style: chr3-81542964-CCACCACAC-ACCTGTAATGTAAAAAACA.
Identifiers: ClinVar variation 2635394 (VCV002635394.6), dbSNP rs869320698, ClinGen allele CA2695197934.

ClinVar aggregate classification (germline): Likely pathogenic. Review status: criteria provided, multiple submitters, no conflicts (2 of 4 stars). 3 submissions from 3 submitters: Likely pathogenic (3). Last evaluated 2026-01-30.

Conditions:
GBE1-related disorder. Also called: GBE1-related condition; GBE1-related disorders. Identifiers: MedGen CN239402.
Glycogen storage disease, type IV (GSD4). Also called: AMYLOPECTINOSIS; ANDERSEN DISEASE; BRANCHER DEFICIENCY; CIRRHOSIS, FAMILIAL, WITH DEPOSITION OF ABNORMAL GLYCOGEN; GBE1 DEFICIENCY; GLYCOGEN BRANCHING ENZYME DEFICIENCY. Identifiers: Orphanet 367, MedGen C0017923, MONDO:0009292, OMIM 232500.

Submissions (3):

GeneDx
Classification: Likely pathogenic. Last evaluated: 2026-01-30. Review status: criteria provided, single submitter. Criteria: GeneDx Variant Classification Process June 2021. Collection method: clinical testing. Allele origin: germline.
Comment: Splice site variant predicted to result in an in-frame loss of the adjacent exon in a gene for which loss of function is a known mechanism of disease; No data available from control populations to assess the frequency of this variant; This variant is associated with the following publications: (PMID: 25665141)

PreventionGenetics, part of Exact Sciences
Classification: Likely pathogenic for GBE1-related condition. Last evaluated: 2025-04-28. Review status: criteria provided, single submitter. Criteria: ACMG Guidelines, 2015. Collection method: clinical testing. Allele origin: germline.
Comment: The GBE1 c.2053-3358_2053-3350delinsTGTTTTTTACATTACAGGT variant is predicted to result in an in-frame deletion and insertion. This variant is predicted to create a novel splice acceptor site (Alamut Visual Plus v1.6.1). This variant has been reported in the compound heterozygous sate in two siblings with Adult Polyglucosan Body Disease (APBD; Grunseich et al. 2021. PubMed ID: 34103343). A similar variant has been reported in the literature as being causative for APBD, although the reported insertion/deletion (indel) variant differed by one nucleotide compared to that identified in this patient (Akman et al. 2015. PubMed ID: 25665141, c.2053-3358_2053-3350delinsTGTTTTTTACATGACAGGT; variant reported by Akman et al. as GBE1-IVS15+5289_5297del GTGTGGTGGinsTGTTTTTTACATGACAGGT). At PreventionGenetics, we have observed this variant in several APBD patients in conjunction with a second pathogenic variant. We classify this variant as likely pathogenic.

Women's Health and Genetics/Laboratory Corporation of America, LabCorp
Classification: Likely pathogenic for Glycogen storage disease, type IV. Last evaluated: 2025-01-24. Review status: criteria provided, single submitter. Criteria: LabCorp Variant Classification Summary - May 2015. Collection method: clinical testing. Allele origin: germline.
Comment: Variant summary: GBE1 c.2053-3358_2053-3350delinsTGTTTTTTACATTACAGGT is located at a deep intronic position not widely known to affect splicing, however several computational tools predict a significant impact on normal splicing: four predict the variant creates a 3' acceptor site. At least one publication reported RNA sequencing studies that a similar variant (differing by one nucleotide) resulted in an aberrant transcript in patient derived cells with the insertion of a poison exon that introduced a frameshift (Akman_2015). A similar variant allele was found at a frequency of 0.0001 in 149516 control chromosomes, predominantly at a frequency of 0.0035 within the Ashkenazi Jewish (ASJ) subpopulation in the gnomAD database (v4.1 dataset). The variant has been reported in the literature in individuals affected with GBE1-Related Disorders (Grunseich_2021). In addition, a similar variant (differing by one nucleotide, i.e. c.2053-3358_2053-3350delinsTGTTTTTTACATGACAGGT) has been also reported in the literature in several ASJ individuals affected with GBE1-Related Disorders (Akman_2015), and in two affected siblings in a recent whole exome sequencing study (Laquerriere_2022). These data indicate that the variant is likely associated with disease. The following publications have been ascertained in the context of this evaluation (PMID: 34103343, 25665141, 33820833). ClinVar contains an entry for this variant (Variation ID: 2635394). Based on the evidence outlined above, the variant was classified as likely pathogenic.

Literature cited by the submitters: PubMed 25665141 (cited by Women's Health and Genetics/Laboratory Corporation of America, LabCorp); PubMed 34103343 (cited by Women's Health and Genetics/Laboratory Corporation of America, LabCorp); PubMed 33820833 (cited by Women's Health and Genetics/Laboratory Corporation of America, LabCorp).